The following is an entry in ClinVar:

ClinVar aggregate classification (germline): Uncertain significance (1 of 4 stars; one submission).

Conditions:
Hypertrophic cardiomyopathy. Also called: HYPERTROPHIC MYOCARDIOPATHY. Identifiers: Orphanet 217569, MedGen C0007194, MeSH D002312, MONDO:0005045, HP:0001639.

Submission:

Labcorp Genetics (formerly Invitae), Labcorp
Classification: Uncertain significance for Hypertrophic cardiomyopathy. Last evaluated: 2025-05-27. Review status: criteria provided, single submitter. Criteria: Invitae Variant Classification Sherloc (09022015). Collection method: clinical testing. Allele origin: germline.
Comment: This sequence change replaces glutamine, which is neutral and polar, with histidine, which is basic and polar, at codon 1794 of the MYH7 protein (p.Gln1794His). This variant is not present in population databases (gnomAD no frequency). This variant has not been reported in the literature in individuals affected with MYH7-related conditions. Invitae Evidence Modeling of protein sequence and biophysical properties (such as structural, functional, and spatial information, amino acid conservation, physicochemical variation, residue mobility, and thermodynamic stability) indicates that this missense variant is expected to disrupt MYH7 protein function with a positive predictive value of 95%. In summary, the available evidence is currently insufficient to determine the role of this variant in disease. Therefore, it has been classified as a Variant of Uncertain Significance.

NM_000257.4(MYH7):c.5382G>C (p.Gln1794His)

Gene: MYH7 (myosin heavy chain 7; minus strand). Cytogenetic location: 14q11.2.
Variant type: single nucleotide variant.
Coding change: c.5382G>C on transcript NM_000257.4 (MANE Select); coding-DNA position 5382, G replaced by C.
Protein change: p.Gln1794His; replaces glutamine 1794 with histidine.
Molecular consequence: missense variant.
Genome position (GRCh38, 1-based): chr14:23,415,172, C>G on the plus strand (G>C on the coding strand, the complement: MYH7 is on the minus strand). VCF-style: chr14-23415172-C-G. GRCh37 (hg19) VCF-style: chr14-23884381-C-G.
Other names: c.5382G>C, p.Gln1794His (NM_001407004.1); short protein forms Q1794H.
Identifiers: ClinVar variation 4801909 (VCV004801909.1).
Genomic context (GRCh38, chr14:23,415,172, plus strand): 5'-CTTCTGCAGCTGCTTCTTGCCGCCCTTGAGGGCGATCTGCTCGGCTTCGTCCAGCCGGTG[C>G]TGCAGGTCCTTAATGGTCTGTTCCATGTTCTTCTTCATGCGCTCCAGGTGGGCGCTGGTG-3'
Protein context (NP_000248.2, residues 1784-1804): KNMEQTIKDL[Gln1794His]HRLDEAEQIA